The following is an entry in ClinVar:

ClinVar aggregate classification (germline): Uncertain significance. Review status: criteria provided, multiple submitters, no conflicts (2 of 4 stars). 2 submissions from 2 submitters: Uncertain significance (2). Last evaluated 2023-10-06.

Conditions:
Arrhythmogenic cardiomyopathy with wooly hair and keratoderma. Also called: Carvajal syndrome; Dilated cardiomyopathy with woolly hair and keratoderma; Arrhythmogenic cardiomyopathy with woolly hair and keratoderma; PALMOPLANTAR KERATODERMA WITH LEFT VENTRICULAR CARDIOMYOPATHY AND WOOLLY HAIR. Identifiers: Orphanet 65282, MedGen C1854063, MONDO:0011581, OMIM 605676.
Arrhythmogenic right ventricular dysplasia 8 (ARVD8). Also called: ARRHYTHMOGENIC RIGHT VENTRICULAR DYSPLASIA, FAMILIAL, 8; ARRHYTHMOGENIC RIGHT VENTRICULAR CARDIOMYOPATHY 8; Arrhythmogenic Right Ventricular Dysplasia/Cardiomyopathy 8. Identifiers: MedGen C1843896, MONDO:0011831, OMIM 607450.

Submissions (2):

All of Us Research Program, National Institutes of Health
Classification: Uncertain significance for Arrhythmogenic cardiomyopathy with wooly hair and keratoderma. Last evaluated: 2023-10-06. Review status: criteria provided, single submitter. Criteria: ACMG Guidelines, 2015. Collection method: clinical testing. Allele origin: germline. Inheritance: Autosomal dominant inheritance. Observed: 1 variant allele, 1 heterozygote.
Comment: This missense variant replaces aspartic acid with asparagine at codon 97 of the DSP protein. Computational prediction suggests that this variant may not impact protein structure and function (internally defined REVEL score threshold <= 0.5, PMID: 27666373). To our knowledge, functional studies have not been reported for this variant. This variant has not been reported in individuals affected with DSP-related disorders in the literature. This variant has not been identified in the general population by the Genome Aggregation Database (gnomAD). The available evidence is insufficient to determine the role of this variant in disease conclusively. Therefore, this variant is classified as a Variant of Uncertain Significance.

This study involves interpretation of variants in research participants for the purpose of population health screening. Participant phenotype was not available at the time of variant classification. Additional details can be found in publication PMID: 35346344, PMCID: PMC8962531

Labcorp Genetics (formerly Invitae), Labcorp
Classification: Uncertain significance for Arrhythmogenic cardiomyopathy with wooly hair and keratoderma; Arrhythmogenic right ventricular dysplasia 8. Last evaluated: 2022-08-28. Review status: criteria provided, single submitter. Criteria: Invitae Variant Classification Sherloc (09022015). Collection method: clinical testing. Allele origin: germline.
Comment: This sequence change replaces aspartic acid, which is acidic and polar, with asparagine, which is neutral and polar, at codon 97 of the DSP protein (p.Asp97Asn). This variant is not present in population databases (gnomAD no frequency). This variant has not been reported in the literature in individuals affected with DSP-related conditions. Algorithms developed to predict the effect of missense changes on protein structure and function are either unavailable or do not agree on the potential impact of this missense change (SIFT: "Deleterious"; PolyPhen-2: "Possibly Damaging"; Align-GVGD: "Class C0"). In summary, the available evidence is currently insufficient to determine the role of this variant in disease. Therefore, it has been classified as a Variant of Uncertain Significance.

NM_004415.4(DSP):c.289G>A (p.Asp97Asn)

Gene: DSP (desmoplakin; plus strand). Cytogenetic location: 6p24.3.
Variant type: single nucleotide variant.
Coding change: c.289G>A on transcript NM_004415.4 (MANE Select); coding-DNA position 289, G replaced by A.
Protein change: p.Asp97Asn; replaces aspartic acid 97 with asparagine.
Molecular consequence: missense variant.
Genome position (GRCh38, 1-based): chr6:7,558,131, G>A. VCF-style: chr6-7558131-G-A. GRCh37 (hg19) VCF-style: chr6-7558364-G-A.
Other names: c.289G>A, p.Asp97Asn (NM_001008844.3, NM_001319034.2, NM_001406591.1); short protein forms D97N.
Identifiers: ClinVar variation 1717318 (VCV001717318.4), dbSNP rs2533848925, ClinGen allele CA362671130.
Genomic context (GRCh38, chr6:7,558,131, plus strand): 5'-TTCCTGGTAGTATGTGTTTTCCTTCATGTGAGTGTTTTCTTTCAGGAATTGAAGTATGGA[G>A]ATGGAATACAACTGACTCGGAGTCGAGAATTGGATGAGTGTTTTGCCCAGGCCAATGACC-3'
Protein context (NP_004406.2, residues 87-107): LIVQPELKYG[Asp97Asn]GIQLTRSREL